The following is an entry in ClinVar:

ClinVar aggregate classification (germline): Pathogenic (1 of 4 stars; one submission).

Conditions:
Familial adenomatous polyposis 2. Also called: COLORECTAL ADENOMATOUS POLYPOSIS, AUTOSOMAL RECESSIVE; ADENOMAS, MULTIPLE COLORECTAL, AUTOSOMAL RECESSIVE; MYH-associated polyposis; FAP type 2; MUTYH-associated polyposis; MUTYH Polyposis. Identifiers: Orphanet 220460, Orphanet 247798, MedGen C3272841, MONDO:0012041, OMIM 608456.

Submission:

Labcorp Genetics (formerly Invitae), Labcorp
Classification: Pathogenic for Familial adenomatous polyposis 2. Last evaluated: 2025-07-08. Review status: criteria provided, single submitter. Criteria: Invitae Variant Classification Sherloc (09022015). Collection method: clinical testing. Allele origin: germline.
Comment: This sequence change creates a premature translational stop signal (p.Trp12Glyfs*29) in the MUTYH gene. It is expected to result in an absent or disrupted protein product. Loss-of-function variants in MUTYH are known to be pathogenic (PMID: 18534194, 20663686). This variant is not present in population databases (gnomAD no frequency). This variant has not been reported in the literature in individuals affected with MUTYH-related conditions. For these reasons, this variant has been classified as Pathogenic.

Literature cited by the submitters: PubMed 18534194; PubMed 20663686.

NM_001128425.2(MUTYH):c.34_35del (p.Trp12fs)

Genes: MUTYH (mutY DNA glycosylase; minus strand), TOE1 (target of EGR1, exonuclease; plus strand). Cytogenetic location: 1p34.1.
Variant type: Microsatellite.
Coding change: c.34_35del on transcript NM_001128425.2 (MANE Plus Clinical); coding-DNA positions 34 to 35, 2 bases deleted (TG; older notation c.34_35delTG).
Protein change: p.Trp12fs; shifts the reading frame from tryptophan 12.
Molecular consequence: frameshift variant. On other transcripts: 5 prime UTR variant (7), non-coding transcript variant (2), splice donor variant (1).
Genome position (GRCh38, 1-based): chr1:45,340,220-45,340,221, CA deleted on the plus strand (TG on the coding strand, the reverse complement: MUTYH is on the minus strand); deleting any 2 consecutive bases within chr1:45,340,220-45,340,223 gives the same sequence; the c. name uses the placement nearest the transcript's 3' end. VCF-style (leftmost placement, unchanged base first): chr1-45340219-CCA-C. GRCh37 (hg19) VCF-style: chr1-45805891-CCA-C.
Other names: c.-33CA[1] (NM_025077.4); c.-11TG[1] (NM_001048171.2); c.34_35del, p.Trp12fs (NM_001293190.2, NM_001407069.1, NM_001407073.1 and 1 more transcripts); c.-223TG[1] (NM_001293192.2); c.-282TG[1] (NM_001350650.2); c.-218TG[1] (NM_001350651.2); c.-27TG[1] (NM_001407070.1, NM_001407071.1); c.-7+2_-7+3del (NM_001407072.1); short protein forms W12fs.
Identifiers: ClinVar variation 4722835 (VCV004722835.1).